The following is an entry in ClinVar:

ClinVar aggregate classification (germline): Uncertain significance (1 of 4 stars; one submission).

Conditions:
Deficiency of alpha-mannosidase (MANSA). Also called: Mannosidosis, alpha-, types I and II; Alpha-Mannosidosis; LYSOSOMAL ALPHA-D-MANNOSIDASE DEFICIENCY. Identifiers: Orphanet 61, MedGen C0024748, MONDO:0009561, OMIM 248500.

Allele frequency attached by ClinVar (database versions not stated): gnomAD exomes below 0.00001.
gnomAD v4.1: 1 of 1,614,124 alleles (0.000062%); highest among the groups gnomAD compares: Non-Finnish European, 0.000085%; no homozygotes.

Submission:

Labcorp Genetics (formerly Invitae), Labcorp
Classification: Uncertain significance for Deficiency of alpha-mannosidase. Last evaluated: 2024-02-24. Review status: criteria provided, single submitter. Criteria: Invitae Variant Classification Sherloc (09022015). Collection method: clinical testing. Allele origin: germline.
Comment: This sequence change replaces isoleucine, which is neutral and non-polar, with valine, which is neutral and non-polar, at codon 168 of the MAN2B1 protein (p.Ile168Val). This variant is not present in population databases (gnomAD no frequency). This variant has not been reported in the literature in individuals affected with MAN2B1-related conditions. ClinVar contains an entry for this variant (Variation ID: 1927012). Advanced modeling of protein sequence and biophysical properties (such as structural, functional, and spatial information, amino acid conservation, physicochemical variation, residue mobility, and thermodynamic stability) performed at Invitae indicates that this missense variant is not expected to disrupt MAN2B1 protein function with a negative predictive value of 95%. In summary, the available evidence is currently insufficient to determine the role of this variant in disease. Therefore, it has been classified as a Variant of Uncertain Significance.

NM_000528.4(MAN2B1):c.502A>G (p.Ile168Val)

Gene: MAN2B1 (mannosidase alpha class 2B member 1; minus strand). Cytogenetic location: 19p13.13.
Variant type: single nucleotide variant.
Coding change: c.502A>G on transcript NM_000528.4 (MANE Select); coding-DNA position 502, A replaced by G.
Protein change: p.Ile168Val; replaces isoleucine 168 with valine.
Molecular consequence: missense variant.
Genome position (GRCh38, 1-based): chr19:12,664,920, T>C on the plus strand (A>G on the coding strand, the complement: MAN2B1 is on the minus strand). VCF-style: chr19-12664920-T-C. GRCh37 (hg19) VCF-style: chr19-12775734-T-C.
Other names: c.502A>G, p.Ile168Val (NM_001173498.2); short protein forms I168V.
Identifiers: ClinVar variation 1927012 (VCV001927012.5), dbSNP rs2512514832, ClinGen allele CA404255095.